The following is an entry in ClinVar:

NM_014967.5(FAN1):c.1492G>A (p.Asp498Asn)

Gene: FAN1 (FANCD2 and FANCI associated nuclease 1; plus strand). Cytogenetic location: 15q13.3.
Variant type: single nucleotide variant.
Coding change: c.1492G>A on transcript NM_014967.5 (MANE Select); coding-DNA position 1492, G replaced by A.
Protein change: p.Asp498Asn; replaces aspartic acid 498 with asparagine.
Molecular consequence: missense variant.
Genome position (GRCh38, 1-based): chr15:30,910,730, G>A. VCF-style: chr15-30910730-G-A. GRCh37 (hg19) VCF-style: chr15-31202933-G-A.
Other names: c.1492G>A, p.Asp498Asn (NM_001146094.2, NM_001146095.1, NM_001146096.2); short protein forms D498N.
Identifiers: ClinVar variation 2995967 (VCV002995967.4), dbSNP rs2542616888, ClinGen allele CA391509649.
Genomic context (GRCh38, chr15:30,910,730, plus strand): 5'-AAATCCCTAGCCAAGACCTTCCACTTGGTGAATCCCAATGGACAGAAACAGCAGCTGGTG[G>A]ACGCCTTTCTCAAATTGGCCAAACAGCGTTCAGTCTGCACTTGGGGCAAGAATAAGCCTG-3'
Protein context (NP_055782.3, residues 488-508): NPNGQKQQLV[Asp498Asn]AFLKLAKQRS

ClinVar aggregate classification (germline): Uncertain significance. Review status: criteria provided, multiple submitters, no conflicts (2 of 4 stars). 2 submissions from 2 submitters: Uncertain significance (2). Last evaluated 2024-04-16.

Conditions:
Karyomegalic interstitial nephritis. Identifiers: Orphanet 401996, MedGen C3553774, MONDO:0013898, OMIM 614817.

Allele frequency attached by ClinVar (database versions not stated): gnomAD exomes below 0.00001.
gnomAD v4.1: 1 of 1,614,120 alleles (0.000062%); highest among the groups gnomAD compares: Admixed American, 0.0017%; no homozygotes.

Submissions (2):

Labcorp Genetics (formerly Invitae), Labcorp
Classification: Uncertain significance. Last evaluated: 2024-04-16. Review status: criteria provided, single submitter. Criteria: Invitae Variant Classification Sherloc (09022015). Collection method: clinical testing. Allele origin: germline.
Comment: This sequence change replaces aspartic acid, which is acidic and polar, with asparagine, which is neutral and polar, at codon 498 of the FAN1 protein (p.Asp498Asn). This variant is not present in population databases (gnomAD no frequency). This variant has not been reported in the literature in individuals affected with FAN1-related conditions. Algorithms developed to predict the effect of missense changes on protein structure and function output the following: SIFT: "Not Available"; PolyPhen-2: "Benign"; Align-GVGD: "Not Available". The asparagine amino acid residue is found in multiple mammalian species, which suggests that this missense change does not adversely affect protein function. In summary, the available evidence is currently insufficient to determine the role of this variant in disease. Therefore, it has been classified as a Variant of Uncertain Significance.

Fulgent Genetics
Classification: Uncertain significance for Karyomegalic interstitial nephritis. Last evaluated: 2024-04-12. Review status: criteria provided, single submitter. Criteria: ACMG Guidelines, 2015. Collection method: clinical testing. Allele origin: germline.